The following is an entry in ClinVar:

ClinVar aggregate classification (germline): Pathogenic (1 of 4 stars; one submission).

Conditions:
Bethlem myopathy 1A. Also called: MYOPATHY, BENIGN CONGENITAL, WITH CONTRACTURES; Bethlem Muscular Dystrophy; Bethlem myopathy 1. Identifiers: Orphanet 610, MedGen CN029274, MONDO:0024530, OMIM 158810.

Submission:

Labcorp Genetics (formerly Invitae), Labcorp
Classification: Pathogenic for Bethlem myopathy 1A. Last evaluated: 2022-04-21. Review status: criteria provided, single submitter. Criteria: Invitae Variant Classification Sherloc (09022015). Collection method: clinical testing. Allele origin: germline.
Comment: For these reasons, this variant has been classified as Pathogenic. Algorithms developed to predict the effect of sequence changes on RNA splicing suggest that this variant may disrupt the consensus splice site. ClinVar contains an entry for this variant (Variation ID: 1072953). Disruption of this splice site has been observed in individuals with type VI collagenopathies (PMID: 24271325; Invitae). This variant is not present in population databases (gnomAD no frequency). This sequence change affects a donor splice site in intron 11 of the COL6A2 gene. It is expected to disrupt RNA splicing. Variants that disrupt the donor or acceptor splice site typically lead to a loss of protein function (PMID: 16199547), and loss-of-function variants in COL6A2 are known to be disease-causing for autosomal recessive COL6A2 conditions (PMID: 21280092, 20976770). However, certain variants affecting donor or acceptor splice sites in the triple helical domain of COL6A2 are expected to result in in-frame exon skipping and have been reported to cause autosomal dominant COL6A2-related conditions (PMID: 18366090).

Literature cited by the submitters: PubMed 24271325; PubMed 16199547; PubMed 21280092; PubMed 20976770; PubMed 18366090.

NM_001849.4(COL6A2):c.1053+2T>A

Gene: COL6A2 (collagen type VI alpha 2 chain; plus strand). Cytogenetic location: 21q22.3.
Variant type: single nucleotide variant.
Coding change: c.1053+2T>A on transcript NM_001849.4 (MANE Select); the canonical splice donor site of the intron after coding-DNA position 1053, T replaced by A.
Molecular consequence: splice donor variant.
Genome position (GRCh38, 1-based): chr21:46,117,455, T>A. VCF-style: chr21-46117455-T-A. GRCh37 (hg19) VCF-style: chr21-47537369-T-A.
Other names: c.1053+2T>A (NM_058175.3, NM_058174.3).
Identifiers: ClinVar variation 1072953 (VCV001072953.9), dbSNP rs2123631474, ClinGen allele CA410527406.